The following is an entry in ClinVar:

NM_001385012.1(NBEA):c.5183C>T (p.Pro1728Leu)

Gene: NBEA (neurobeachin; plus strand). Cytogenetic location: 13q13.3.
Variant type: single nucleotide variant.
Coding change: c.5183C>T on transcript NM_001385012.1 (MANE Select); coding-DNA position 5183, C replaced by T.
Protein change: p.Pro1728Leu; replaces proline 1728 with leucine.
Molecular consequence: missense variant.
Genome position (GRCh38, 1-based): chr13:35,196,119, C>T. VCF-style: chr13-35196119-C-T. GRCh37 (hg19) VCF-style: chr13-35770256-C-T.
Other names: c.5174C>T, p.Pro1725Leu (NM_001379245.1); c.5183C>T, p.Pro1728Leu (NM_015678.5); short protein forms P1725L, P1728L.
Identifiers: ClinVar variation 1328880 (VCV001328880.2), dbSNP rs2152741982, ClinGen allele CA387834458.
Genomic context (GRCh38, chr13:35,196,119, plus strand): 5'-CATCCGAAGTGAAGAAATCACAAGAGAGCTTAACTGAAAATCCTAGTGAAACGTTGAAGC[C>T]TGCAACATCCATATCTAGCATTAGTCAAACCAAAGGCATCAATGTGAAGGAAATACTGAA-3'
Protein context (NP_001371941.1, residues 1718-1738): LTENPSETLK[Pro1728Leu]ATSISSISQT

ClinVar aggregate classification (germline): Uncertain significance (1 of 4 stars; one submission).

Submission:

GeneDx
Classification: Uncertain significance. Last evaluated: 2021-06-16. Review status: criteria provided, single submitter. Criteria: GeneDx Variant Classification Process June 2021. Collection method: clinical testing. Allele origin: germline. Affected: yes.
Comment: Not observed at significant frequency in large population cohorts (Lek et al., 2016); In silico analysis supports that this missense variant has a deleterious effect on protein structure/function; Has not been previously published as pathogenic or benign to our knowledge; This variant is associated with the following publications: (PMID: 27535533)